The following is an entry in ClinVar:

NM_001386298.1(CIC):c.6430C>G (p.Leu2144Val)

Gene: CIC (capicua transcriptional repressor; plus strand). Cytogenetic location: 19q13.2.
Variant type: single nucleotide variant.
Coding change: c.6430C>G on transcript NM_001386298.1 (MANE Select); coding-DNA position 6430, C replaced by G.
Protein change: p.Leu2144Val; replaces leucine 2144 with valine.
Molecular consequence: missense variant.
Genome position (GRCh38, 1-based): chr19:42,293,189, C>G. VCF-style: chr19-42293189-C-G. GRCh37 (hg19) VCF-style: chr19-42797341-C-G.
Other names: c.6430C>G, p.Leu2144Val (NM_001304815.2, NM_001379482.1, NM_001379483.1); c.6427C>G, p.Leu2143Val (NM_001379480.1); c.3703C>G, p.Leu1235Val (NM_001379484.1, NM_001379485.1, NM_015125.5); short protein forms L1235V, L2143V, L2144V.
Identifiers: ClinVar variation 2650011 (VCV002650011.24), dbSNP rs769015142, ClinGen allele CA9472704.

ClinVar aggregate classification (germline): Likely benign (1 of 4 stars; one submission).

Allele frequency attached by ClinVar (database versions not stated): TOPMed below 0.00001; gnomAD 0.00001; ExAC 0.00002; gnomAD exomes 0.00002.
gnomAD v4.1: 28 of 1,601,466 alleles (0.0017%); highest among the groups gnomAD compares: Non-Finnish European, 0.0023%; no homozygotes.

Submission:

CeGaT Center for Human Genetics Tuebingen
Classification: Likely benign. Last evaluated: 2022-06-01. Review status: criteria provided, single submitter. Criteria: CeGaT Center For Human Genetics Tuebingen Variant Classification Criteria Version 2. Collection method: clinical testing. Allele origin: germline. Affected: yes. Observed: 1 variant allele.
Comment: CIC: BP4